The following is an entry in ClinVar:

ClinVar aggregate classification (germline): Conflicting classifications of pathogenicity. Review status: criteria provided, conflicting classifications (1 of 4 stars). 5 submissions from 5 submitters: Uncertain significance (1); Benign (2); Likely benign (2). Last evaluated 2026-01-24.

Conditions:
Cardiovascular phenotype. Identifiers: MedGen CN230736.
Ehlers-Danlos syndrome (EDS). Identifiers: Orphanet 98249, MedGen C0013720, MONDO:0020066.

Allele frequency attached by ClinVar (database versions not stated): gnomAD 0.00016; TOPMed 0.00030; ESP Exome Variant Server 0.00031; ExAC 0.00055.
gnomAD v4.1: 571 of 1,612,540 alleles (0.035%); highest among the groups gnomAD compares: Middle Eastern, 0.099%; no homozygotes.

Submissions (5):

Labcorp Genetics (formerly Invitae), Labcorp
Classification: Benign. Last evaluated: 2026-01-24. Review status: criteria provided, single submitter. Criteria: Invitae Variant Classification Sherloc (09022015). Collection method: clinical testing. Allele origin: germline.

Mayo Clinic Laboratories, Mayo Clinic
Classification: Likely benign. Last evaluated: 2025-12-14. Review status: criteria provided, single submitter. Criteria: ACMG Guidelines, 2015. Collection method: clinical testing. Allele origin: germline. Observed: 4 variant alleles.
Comment: BS1

Genome Diagnostics Laboratory, The Hospital for Sick Children
Classification: Uncertain significance for Ehlers-Danlos syndrome. Last evaluated: 2021-09-28. Review status: criteria provided, single submitter. Criteria: ACMG Guidelines, 2015. Collection method: clinical testing. Allele origin: germline.

Ambry Genetics
Classification: Likely benign for Cardiovascular phenotype. Last evaluated: 2021-07-07. Review status: criteria provided, single submitter. Criteria: Ambry Variant Classification Scheme 2023. Collection method: clinical testing. Allele origin: germline.

GeneDx
Classification: Benign. Last evaluated: 2020-02-28. Review status: criteria provided, single submitter. Criteria: GeneDx Variant Classification Process June 2021. Collection method: clinical testing. Allele origin: germline. Affected: yes.
Comment: Has not been previously published as pathogenic or benign to our knowledge; Identified in several individuals referred for connective tissue disorder genetic testing at GeneDx; however, none of these probands harbored a second reportable variant in PRDM5, and several individuals harbored additional variants in other genes; This variant is associated with the following publications: (PMID: 21664999)

Literature cited by the submitters: PubMed 21664999 (cited by Ambry Genetics).

NM_018699.4(PRDM5):c.1113C>A (p.Ser371Arg)

Gene: PRDM5 (PR/SET domain 5; minus strand). Cytogenetic location: 4q27.
Variant type: single nucleotide variant.
Coding change: c.1113C>A on transcript NM_018699.4 (MANE Select); coding-DNA position 1113, C replaced by A.
Protein change: p.Ser371Arg; replaces serine 371 with arginine.
Molecular consequence: missense variant.
Genome position (GRCh38, 1-based): chr4:120,798,342, G>T on the plus strand (C>A on the coding strand, the complement: PRDM5 is on the minus strand). VCF-style: chr4-120798342-G-T. GRCh37 (hg19) VCF-style: chr4-121719497-G-T.
Other names: p.Ser371Arg; c.1020C>A, p.Ser340Arg (NM_001300823.2, NM_001300824.2, NM_001379106.1); c.1146C>A, p.Ser382Arg (NM_001379104.1); short protein forms S371R, S340R, S382R.
Identifiers: ClinVar variation 451055 (VCV000451055.16), dbSNP rs148079992, ClinGen allele CA3061150.
Genomic context (GRCh38, chr4:120,798,342, plus strand): 5'-GTAAACATTTCTGTGGGCAAATCCCTTTCCACAAAGTTTGCATTTGTAAGGTTTGTCTTC[G>T]CTGTGTATTACTTTGTGAGCACCCACTTGATCAAGCCTCTTGAAAGACTTATTACAAATC-3'
Protein context (NP_061169.2, residues 361-381): DQVGAHKVIH[Ser371Arg]EDKPYKCKLC